The following is an entry in ClinVar:

NM_000044.6(AR):c.195_199delinsTT (p.Gln65_Gln67delinsHisTer)

Genes: AR (androgen receptor; plus strand), LOC109504725 (androgen receptor repeat instability region; plus strand). Cytogenetic location: Xq12.
Variant type: Indel.
Coding change: c.195_199delinsTT on transcript NM_000044.6 (MANE Select); coding-DNA positions 195 to 199, GCAGC replaced by TT.
Protein change: p.Gln65_Gln67delinsHisTer.
Molecular consequence: nonsense. On other transcripts: 5 prime UTR variant (1).
Genome position (GRCh38, 1-based): chrX:67,545,341-67,545,345, GCAGC replaced by TT. VCF-style: chrX-67545341-GCAGC-TT. GRCh37 (hg19) VCF-style: chrX-66765183-GCAGC-TT.
Other names: c.-1589_-1585delinsTT (NM_001011645.3); c.195_199delinsTT, p.Gln65_Gln67delinsHisTer (NM_001348061.1, NM_001348063.1, NM_001348064.1).
Identifiers: ClinVar variation 581270 (VCV000581270.5), dbSNP rs1569263557, ClinGen allele CA891844004.

ClinVar aggregate classification (germline): Pathogenic (1 of 4 stars; one submission).

Conditions:
Androgen resistance syndrome (AIS). Also called: Androgen insensitivity, complete; DIHYDROTESTOSTERONE RECEPTOR DEFICIENCY; Androgen insensitivity syndrome due to coactivator deficiency; Androgen insensitivity; TESTICULAR FEMINIZATION SYNDROME; ANDROGEN RECEPTOR DEFICIENCY. Identifiers: Orphanet 754, Orphanet 99429, MedGen C0039585, MONDO:0019154, OMIM 300068. Disease mechanism: loss of function.
Kennedy disease (SMAX1). Also called: KENNEDY SPINAL AND BULBAR MUSCULAR ATROPHY; SPINAL AND BULBAR MUSCULAR ATROPHY, X-LINKED 1; Spinal and Bulbar Muscular Atrophy. Identifiers: Orphanet 481, MedGen C1839259, MONDO:0010735, OMIM 313200.

Submission:

Labcorp Genetics (formerly Invitae), Labcorp
Classification: Pathogenic for Kennedy disease; Androgen resistance syndrome. Last evaluated: 2018-05-10. Review status: criteria provided, single submitter. Criteria: Invitae Variant Classification Sherloc (09022015). Collection method: clinical testing. Allele origin: germline.
Comment: This variant is not present in population databases (ExAC no frequency). This sequence change creates a premature translational stop signal (p.Gln65_Gln66delinsHis*) in the AR gene. It is expected to result in an absent or disrupted protein product. This variant has not been reported in the literature in individuals with AR-related disease. For these reasons, this variant has been classified as Pathogenic. Loss-of-function variants in AR are known to be pathogenic (PMID: 19463997).

Literature cited by the submitters: PubMed 19463997.